The following is an entry in ClinVar:

NM_018124.4(RFWD3):c.902G>A (p.Arg301Gln)

Gene: RFWD3 (ring finger and WD repeat domain 3; minus strand). Cytogenetic location: 16q23.1.
Variant type: single nucleotide variant.
Coding change: c.902G>A on transcript NM_018124.4 (MANE Select); coding-DNA position 902, G replaced by A.
Protein change: p.Arg301Gln; replaces arginine 301 with glutamine.
Molecular consequence: missense variant.
Genome position (GRCh38, 1-based): chr16:74,644,626, C>T on the plus strand (G>A on the coding strand, the complement: RFWD3 is on the minus strand). VCF-style: chr16-74644626-C-T. GRCh37 (hg19) VCF-style: chr16-74678524-C-T.
Other names: c.902G>A, p.Arg301Gln (NM_001370534.1, NM_001370535.1, NM_001370536.1); c.68G>A, p.Arg23Gln (NM_001370537.1, NM_001370539.1, NM_001370540.1 and 2 more transcripts); short protein forms R23Q, R301Q.
Identifiers: ClinVar variation 3313905 (VCV003313905.3).

ClinVar aggregate classification (germline): Uncertain significance. Review status: criteria provided, multiple submitters, no conflicts (2 of 4 stars). 2 submissions from 2 submitters: Uncertain significance (2). Last evaluated 2025-04-02.

gnomAD v4.1: 5 of 1,614,184 alleles (0.00031%); highest among the groups gnomAD compares: South Asian, 0.0022%; no homozygotes.

Submissions (2):

Labcorp Genetics (formerly Invitae), Labcorp
Classification: Uncertain significance. Last evaluated: 2025-04-02. Review status: criteria provided, single submitter. Criteria: Invitae Variant Classification Sherloc (09022015). Collection method: clinical testing. Allele origin: germline.
Comment: This sequence change replaces arginine, which is basic and polar, with glutamine, which is neutral and polar, at codon 301 of the RFWD3 protein (p.Arg301Gln). This variant is present in population databases (rs200695479, gnomAD 0.007%). This variant has not been reported in the literature in individuals affected with RFWD3-related conditions. ClinVar contains an entry for this variant (Variation ID: 3313905). An algorithm developed to predict the effect of missense changes on protein structure and function (PolyPhen-2) suggests that this variant is likely to be disruptive. In summary, the available evidence is currently insufficient to determine the role of this variant in disease. Therefore, it has been classified as a Variant of Uncertain Significance.

Ambry Genetics
Classification: Uncertain significance. Last evaluated: 2024-05-26. Review status: criteria provided, single submitter. Criteria: Ambry Variant Classification Scheme 2023. Collection method: clinical testing. Allele origin: germline.